The following is an entry in ClinVar:

ClinVar aggregate classification (germline): Uncertain significance (1 of 4 stars; one submission).

Conditions:
Bardet-Biedl syndrome (BBS). Identifiers: Orphanet 110, MedGen C0752166, MONDO:0015229.

Allele frequency attached by ClinVar (database versions not stated): gnomAD exomes below 0.00001 and 0.00001; gnomAD 0.00001; TOPMed 0.00001.
gnomAD v4.1: 11 of 1,609,132 alleles (0.00068%); highest among the groups gnomAD compares: Non-Finnish European, 0.00077%; no homozygotes.

Submission:

Labcorp Genetics (formerly Invitae), Labcorp
Classification: Uncertain significance for Bardet-Biedl syndrome. Last evaluated: 2024-10-15. Review status: criteria provided, single submitter. Criteria: Invitae Variant Classification Sherloc (09022015). Collection method: clinical testing. Allele origin: germline.
Comment: This sequence change falls in intron 6 of the WDPCP gene. It does not directly change the encoded amino acid sequence of the WDPCP protein. This variant is present in population databases (no rsID available, gnomAD 0.0009%). This variant has not been reported in the literature in individuals affected with WDPCP-related conditions. ClinVar contains an entry for this variant (Variation ID: 1380930). Algorithms developed to predict the effect of sequence changes on RNA splicing suggest that this variant may disrupt the consensus splice site. In summary, the available evidence is currently insufficient to determine the role of this variant in disease. Therefore, it has been classified as a Variant of Uncertain Significance.

NM_015910.7(WDPCP):c.385-8G>A

Gene: WDPCP (WD repeat containing planar cell polarity effector; minus strand). Cytogenetic location: 2p15.
Variant type: single nucleotide variant.
Coding change: c.385-8G>A on transcript NM_015910.7 (MANE Select); 8 bases into the intron before coding-DNA position 385, G replaced by A.
Molecular consequence: intron variant.
Genome position (GRCh38, 1-based): chr2:63,439,879, C>T on the plus strand (G>A on the coding strand, the complement: WDPCP is on the minus strand). VCF-style: chr2-63439879-C-T. GRCh37 (hg19) VCF-style: chr2-63667013-C-T.
Other names: c.313-8G>A (NM_001354044.2); c.385-8G>A (NM_001354045.2).
Identifiers: ClinVar variation 1380930 (VCV001380930.6), dbSNP rs1277892197, ClinGen allele CA533466221.